The following is an entry in ClinVar:

NM_003628.6(PKP4):c.93G>C (p.Glu31Asp)

Gene: PKP4 (plakophilin 4; plus strand). Cytogenetic location: 2q24.1.
Variant type: single nucleotide variant.
Coding change: c.93G>C on transcript NM_003628.6 (MANE Select); coding-DNA position 93, G replaced by C.
Protein change: p.Glu31Asp; replaces glutamic acid 31 with aspartic acid.
Molecular consequence: missense variant. On other transcripts: 5 prime UTR variant (1).
Genome position (GRCh38, 1-based): chr2:158,533,277, G>C. VCF-style: chr2-158533277-G-C. GRCh37 (hg19) VCF-style: chr2-159389789-G-C.
Other names: c.93G>C, p.Glu31Asp (NM_001005476.4, NM_001304969.3, NM_001304971.2 and 9 more transcripts); c.-857G>C (NM_001304970.3); short protein forms E31D.
Identifiers: ClinVar variation 1766842 (VCV001766842.2), dbSNP rs2529128161, ClinGen allele CA349198543.

ClinVar aggregate classification (germline): Uncertain significance (1 of 4 stars; one submission).

Submission:

Ambry Genetics
Classification: Uncertain significance. Last evaluated: 2022-07-25. Review status: criteria provided, single submitter. Criteria: Ambry Variant Classification Scheme 2023. Collection method: clinical testing. Allele origin: germline.
Comment: The p.E31D variant (also known as c.93G>C), located in coding exon 1 of the PKP4 gene, results from a G to C substitution at nucleotide position 93. The glutamic acid at codon 31 is replaced by aspartic acid, an amino acid with highly similar properties. This amino acid position is conserved. In addition, this alteration is predicted to be tolerated by in silico analysis. Since supporting evidence is limited at this time, the clinical significance of this alteration remains unclear.